The following is an entry in ClinVar:

NM_033109.5(PNPT1):c.430G>A (p.Ala144Thr)

Gene: PNPT1 (polyribonucleotide nucleotidyltransferase 1; minus strand). Cytogenetic location: 2p16.1.
Variant type: single nucleotide variant.
Coding change: c.430G>A on transcript NM_033109.5 (MANE Select); coding-DNA position 430, G replaced by A.
Protein change: p.Ala144Thr; replaces alanine 144 with threonine.
Molecular consequence: missense variant.
Genome position (GRCh38, 1-based): chr2:55,683,808, C>T on the plus strand (G>A on the coding strand, the complement: PNPT1 is on the minus strand). VCF-style: chr2-55683808-C-T. GRCh37 (hg19) VCF-style: chr2-55910943-C-T.
Other names: c.430G>A (NM_033109.4, NM_033109.3); short protein forms A144T.
Identifiers: ClinVar variation 1524152 (VCV001524152.7), dbSNP rs753021266, ClinGen allele CA1668479.

ClinVar aggregate classification (germline): Uncertain significance. Review status: criteria provided, multiple submitters, no conflicts (2 of 4 stars). 3 submissions from 3 submitters: Uncertain significance (3). Last evaluated 2025-05-02.

Conditions:
Inborn genetic diseases. Identifiers: MedGen C0950123, MeSH D030342.

Allele frequency attached by ClinVar (database versions not stated): gnomAD exomes below 0.00001; ExAC 0.00001; gnomAD 0.00002 and 0.00003.

Submissions (3):

GeneDx
Classification: Uncertain significance. Last evaluated: 2025-05-02. Review status: criteria provided, single submitter. Criteria: GeneDx Variant Classification Process June 2021. Collection method: clinical testing. Allele origin: germline. Affected: yes.
Comment: Not observed at significant frequency in large population cohorts (gnomAD); In silico analysis suggests that this missense variant does not alter protein structure/function; Has not been previously published as pathogenic or benign to our knowledge

Ambry Genetics
Classification: Uncertain significance for Inborn genetic diseases. Last evaluated: 2022-08-01. Review status: criteria provided, single submitter. Criteria: Ambry Variant Classification Scheme 2023. Collection method: clinical testing. Allele origin: germline.

Labcorp Genetics (formerly Invitae), Labcorp
Classification: Uncertain significance. Last evaluated: 2021-08-31. Review status: criteria provided, single submitter. Criteria: Invitae Variant Classification Sherloc (09022015). Collection method: clinical testing. Allele origin: germline.
Comment: This sequence change replaces alanine with threonine at codon 144 of the PNPT1 protein (p.Ala144Thr). The alanine residue is moderately conserved and there is a small physicochemical difference between alanine and threonine. This variant is present in population databases (rs753021266, ExAC 0.01%). This variant has not been reported in the literature in individuals affected with PNPT1-related conditions. Advanced modeling of protein sequence and biophysical properties (such as structural, functional, and spatial information, amino acid conservation, physicochemical variation, residue mobility, and thermodynamic stability) performed at Invitae indicates that this missense variant is not expected to disrupt PNPT1 protein function. In summary, the available evidence is currently insufficient to determine the role of this variant in disease. Therefore, it has been classified as a Variant of Uncertain Significance.